The following is an entry in ClinVar:

ClinVar aggregate classification (germline): Uncertain significance (1 of 4 stars; one submission).

Conditions:
DNAH9-related disorder. Also called: DNAH9-related condition.

Submission:

PreventionGenetics, part of Exact Sciences
Classification: Uncertain significance for DNAH9-related condition. Last evaluated: 2024-12-12. Review status: criteria provided, single submitter. Criteria: ACMG Guidelines, 2015. Collection method: clinical testing. Allele origin: germline.
Comment: The DNAH9 c.1162G>A variant is predicted to result in the amino acid substitution p.Glu388Lys. To our knowledge, this variant has not been reported in the literature. This variant is reported in 0.0029% of alleles in individuals of Latino descent in gnomAD. At this time, the clinical significance of this variant is uncertain due to the absence of conclusive functional and genetic evidence.

NM_001372.4(DNAH9):c.1162G>A (p.Glu388Lys)

Gene: DNAH9 (dynein axonemal heavy chain 9; plus strand). Cytogenetic location: 17p12.
Variant type: single nucleotide variant.
Coding change: c.1162G>A on transcript NM_001372.4 (MANE Select); coding-DNA position 1162, G replaced by A.
Protein change: p.Glu388Lys; replaces glutamic acid 388 with lysine.
Molecular consequence: missense variant.
Genome position (GRCh38, 1-based): chr17:11,619,593, G>A. VCF-style: chr17-11619593-G-A. GRCh37 (hg19) VCF-style: chr17-11522910-G-A.
Other names: short protein forms E388K.
Identifiers: ClinVar variation 4997378 (VCV004997378.1).